The following is an entry in ClinVar:

ClinVar aggregate classification (germline): Uncertain significance (1 of 4 stars; one submission).

Submission:

Institute for Human Genetics, University Hospital Essen
Classification: Uncertain significance. Last evaluated: 2025-11-27. Review status: criteria provided, single submitter. Criteria: Submitter's publication. Collection method: clinical testing. Allele origin: inherited. Inheritance: Autosomal unknown. Affected: yes. Observed: 1 variant allele, 1 compound heterozygote.
Comment: PM1_supp, PM2_supp, PM3 (criteria rationale detailed in Leitão et al. Nature Genetics 2026)

NR_199791.1(RNU2-2):n.73_80dup

Genes: RNU2-2 (RNA, U2 small nuclear 2; minus strand), WDR74 (WD repeat domain 74; minus strand). Cytogenetic location: 11q12.3.
Variant type: Duplication.
Molecular consequence: non-coding transcript variant (on NR_199791.1). On other transcripts: 5 prime UTR variant (1).
Genome position: GRCh38 VCF-style: chr11-62841729-C-CTCGGATAG. GRCh37 (hg19) VCF-style: chr11-62609201-C-CTCGGATAG.
Other names: c.-466_-459dup (NM_001369451.1).
Identifiers: ClinVar variation 4540494 (VCV004540494.1).